The following is an entry in ClinVar:

NM_015354.3(NUP188):c.3624A>G (p.Ser1208=)

Gene: NUP188 (nucleoporin 188; plus strand). Cytogenetic location: 9q34.11.
Variant type: single nucleotide variant.
Coding change: c.3624A>G on transcript NM_015354.3 (MANE Select); coding-DNA position 3624, A replaced by G.
Protein change: p.Ser1208=; no amino-acid change (serine 1208 retained).
Molecular consequence: synonymous variant.
Genome position (GRCh38, 1-based): chr9:128,999,280, A>G. VCF-style: chr9-128999280-A-G. GRCh37 (hg19) VCF-style: chr9-131761559-A-G.
Identifiers: ClinVar variation 3045850 (VCV003045850.2), dbSNP rs375639348, ClinGen allele CA5273016.
Genomic context (GRCh38, chr9:128,999,280, plus strand): 5'-GGAGGGAGTGCTGCAGGCCGACCAGCAACTCATGGAGAAGACCAAGGCCAAGGTGTTCTC[A>G]GCATTCATCACAGTGTTGCAAATGAAGGAGATGAAAGGTGAGGGGCAGAGGCAGGGGGAG-3'
Protein context (NP_056169.1, residues 1198-1218): LMEKTKAKVF[Ser1208=]AFITVLQMKE

ClinVar aggregate classification (germline): Likely benign (0 of 4 stars; one submission).

Conditions:
NUP188-related disorder. Also called: NUP188-related condition.

Allele frequency attached by ClinVar (database versions not stated): TOPMed 0.00005; gnomAD 0.00008; ExAC 0.00014; ESP Exome Variant Server 0.00015; gnomAD exomes 0.00016.
gnomAD v4.1: 247 of 1,614,090 alleles (0.015%); highest among the groups gnomAD compares: Non-Finnish European, 0.018%; no homozygotes.

Submission:

PreventionGenetics, part of Exact Sciences
Classification: Likely benign for NUP188-related condition. Last evaluated: 2023-06-12. Review status: no assertion criteria provided. Collection method: clinical testing. Allele origin: germline.
Comment: This variant is classified as likely benign based on ACMG/AMP sequence variant interpretation guidelines (Richards et al. 2015 PMID: 25741868, with internal and published modifications).